The following is an entry in ClinVar:

NM_002546.4(TNFRSF11B):c.962C>T (p.Pro321Leu)

Gene: TNFRSF11B (TNF receptor superfamily member 11b; minus strand). Cytogenetic location: 8q24.12.
Variant type: single nucleotide variant.
Coding change: c.962C>T on transcript NM_002546.4 (MANE Select); coding-DNA position 962, C replaced by T.
Protein change: p.Pro321Leu; replaces proline 321 with leucine.
Molecular consequence: missense variant.
Genome position (GRCh38, 1-based): chr8:118,924,618, G>A on the plus strand (C>T on the coding strand, the complement: TNFRSF11B is on the minus strand). VCF-style: chr8-118924618-G-A. GRCh37 (hg19) VCF-style: chr8-119936857-G-A.
Other names: short protein forms P321L.
Identifiers: ClinVar variation 2091224 (VCV002091224.4), dbSNP rs2488045999, ClinGen allele CA371918754.

ClinVar aggregate classification (germline): Uncertain significance (1 of 4 stars; one submission).

Allele frequency attached by ClinVar (database versions not stated): gnomAD exomes below 0.00001.
gnomAD v4.1: 1 of 1,614,102 alleles (0.000062%); highest among the groups gnomAD compares: Non-Finnish European, 0.000085%; no homozygotes.

Submission:

Labcorp Genetics (formerly Invitae), Labcorp
Classification: Uncertain significance. Last evaluated: 2022-02-09. Review status: criteria provided, single submitter. Criteria: Invitae Variant Classification Sherloc (09022015). Collection method: clinical testing. Allele origin: germline.
Comment: In summary, the available evidence is currently insufficient to determine the role of this variant in disease. Therefore, it has been classified as a Variant of Uncertain Significance. Algorithms developed to predict the effect of missense changes on protein structure and function (SIFT, PolyPhen-2, Align-GVGD) all suggest that this variant is likely to be tolerated. This variant has not been reported in the literature in individuals affected with TNFRSF11B-related conditions. This variant is not present in population databases (gnomAD no frequency). This sequence change replaces proline, which is neutral and non-polar, with leucine, which is neutral and non-polar, at codon 321 of the TNFRSF11B protein (p.Pro321Leu).